The following is an entry in ClinVar:

NM_016035.5(COQ4):c.340A>G (p.Lys114Glu)

Gene: COQ4 (coenzyme Q4; plus strand). Cytogenetic location: 9q34.11.
Variant type: single nucleotide variant.
Coding change: c.340A>G on transcript NM_016035.5 (MANE Select); coding-DNA position 340, A replaced by G.
Protein change: p.Lys114Glu; replaces lysine 114 with glutamic acid.
Molecular consequence: missense variant. On other transcripts: synonymous variant (1).
Genome position (GRCh38, 1-based): chr9:128,325,819, A>G. VCF-style: chr9-128325819-A-G. GRCh37 (hg19) VCF-style: chr9-131088098-A-G.
Other names: c.243A>G, p.Ala81= (NM_001305942.2); short protein forms K114E.
Identifiers: ClinVar variation 566335 (VCV000566335.9), dbSNP rs1564390909, ClinGen allele CA375021212.

ClinVar aggregate classification (germline): Uncertain significance (1 of 4 stars; one submission).

Conditions:
Neonatal encephalomyopathy-cardiomyopathy-respiratory distress syndrome. Also called: Coenzyme Q10 deficiency, primary, 7. Identifiers: Orphanet 457185, MedGen C5568562, MONDO:0014562, OMIM 616276.

Submission:

Labcorp Genetics (formerly Invitae), Labcorp
Classification: Uncertain significance for Neonatal encephalomyopathy-cardiomyopathy-respiratory distress syndrome. Last evaluated: 2022-06-04. Review status: criteria provided, single submitter. Criteria: Invitae Variant Classification Sherloc (09022015). Collection method: clinical testing. Allele origin: germline.
Comment: In summary, the available evidence is currently insufficient to determine the role of this variant in disease. Therefore, it has been classified as a Variant of Uncertain Significance. Algorithms developed to predict the effect of missense changes on protein structure and function (SIFT, PolyPhen-2, Align-GVGD) all suggest that this variant is likely to be tolerated. ClinVar contains an entry for this variant (Variation ID: 566335). This variant has not been reported in the literature in individuals affected with COQ4-related conditions. This variant is not present in population databases (gnomAD no frequency). This sequence change replaces lysine, which is basic and polar, with glutamic acid, which is acidic and polar, at codon 114 of the COQ4 protein (p.Lys114Glu).